The following is an entry in ClinVar:

NM_000264.5(PTCH1):c.2620A>G (p.Lys874Glu)

Gene: PTCH1 (patched 1; minus strand). Cytogenetic location: 9q22.32.
Variant type: single nucleotide variant.
Coding change: c.2620A>G on transcript NM_000264.5 (MANE Select); coding-DNA position 2620, A replaced by G.
Protein change: p.Lys874Glu; replaces lysine 874 with glutamic acid.
Molecular consequence: missense variant. On other transcripts: non-coding transcript variant (1).
Genome position (GRCh38, 1-based): chr9:95,461,939, T>C on the plus strand (A>G on the coding strand, the complement: PTCH1 is on the minus strand). VCF-style: chr9-95461939-T-C. GRCh37 (hg19) VCF-style: chr9-98224221-T-C.
Other names: c.2620A>G (NM_000264.3); c.2422A>G, p.Lys808Glu (NM_001083602.3); c.2617A>G, p.Lys873Glu (NM_001083603.3); c.2167A>G, p.Lys723Glu (NM_001083604.3, NM_001083605.3, NM_001083606.3 and 1 more transcripts); c.2464A>G, p.Lys822Glu (NM_001354918.2); short protein forms K874E, K808E, K873E, K723E, K822E.
Identifiers: ClinVar variation 1513633 (VCV001513633.9), dbSNP rs2136688658, ClinGen allele CA374113455.
Genomic context (GRCh38, chr9:95,461,939, plus strand): 5'-CGCGGCTGCCGGTTTGCACCAGGAGTTTGTAGGCAAGGACTCCATCGTCTGATCCATTCT[T>C]GTAATTGTTTGGCATGATTTTCCCGGTTTCCCAGTCACTGTCAAATGCATCCTGAAGTCC-3'
Protein context (NP_000255.2, residues 864-884): ETGKIMPNNY[Lys874Glu]NGSDDGVLAY

ClinVar aggregate classification (germline): Uncertain significance. Review status: criteria provided, multiple submitters, no conflicts (2 of 4 stars). 2 submissions from 2 submitters: Uncertain significance (2). Last evaluated 2023-11-03.

Conditions:
Gorlin syndrome. Also called: Basal cell nevus syndrome; Nevoid Basal Cell Carcinoma Syndrome. Identifiers: Orphanet 377, MedGen C0004779, MONDO:0007187.
Hereditary cancer-predisposing syndrome. Also called: Neoplastic Syndromes, Hereditary; Hereditary Cancer Syndrome; Tumor predisposition; Hereditary neoplastic syndrome. Identifiers: Orphanet 140162, MedGen C0027672, MeSH D009386, MONDO:0015356.

Submissions (2):

Ambry Genetics
Classification: Uncertain significance for Hereditary cancer-predisposing syndrome. Last evaluated: 2023-11-03. Review status: criteria provided, single submitter. Criteria: Ambry Variant Classification Scheme 2023. Collection method: clinical testing. Allele origin: germline.
Comment: The p.K874E variant (also known as c.2620A>G), located in coding exon 16 of the PTCH1 gene, results from an A to G substitution at nucleotide position 2620. The lysine at codon 874 is replaced by glutamic acid, an amino acid with similar properties. This amino acid position is conserved. In addition, the in silico prediction for this alteration is inconclusive. Since supporting evidence is limited at this time, the clinical significance of this alteration remains unclear.

Labcorp Genetics (formerly Invitae), Labcorp
Classification: Uncertain significance for Gorlin syndrome. Last evaluated: 2021-06-16. Review status: criteria provided, single submitter. Criteria: Invitae Variant Classification Sherloc (09022015). Collection method: clinical testing. Allele origin: germline.
Comment: This sequence change replaces lysine with glutamic acid at codon 874 of the PTCH1 protein (p.Lys874Glu). The lysine residue is weakly conserved and there is a small physicochemical difference between lysine and glutamic acid. This variant is not present in population databases (ExAC no frequency). This variant has not been reported in the literature in individuals with PTCH1-related conditions. Advanced modeling of protein sequence and biophysical properties (such as structural, functional, and spatial information, amino acid conservation, physicochemical variation, residue mobility, and thermodynamic stability) performed at Invitae indicates that this missense variant is not expected to disrupt PTCH1 protein function. In summary, the available evidence is currently insufficient to determine the role of this variant in disease. Therefore, it has been classified as a Variant of Uncertain Significance.